The following is an entry in ClinVar:

ClinVar aggregate classification (germline): Likely benign. Review status: criteria provided, single submitter (1 of 4 stars). 2 submissions from 2 submitters: Likely benign (1). 1 of the submissions does not count toward it. Last evaluated 2022-05-17.

Conditions:
LTBP2-related disorder. Also called: LTBP2-related disorders; LTBP2-related condition.

Allele frequency attached by ClinVar (database versions not stated): TOPMed 0.00001.
gnomAD v4.1: 6 of 1,605,260 alleles (0.00037%); highest among the groups gnomAD compares: Middle Eastern, 0.033%; no homozygotes.

Submissions (2):

Labcorp Genetics (formerly Invitae), Labcorp
Classification: Likely benign. Last evaluated: 2022-05-17. Review status: criteria provided, single submitter. Criteria: Invitae Variant Classification Sherloc (09022015). Collection method: clinical testing. Allele origin: germline.

PreventionGenetics, part of Exact Sciences
Classification: Likely benign for LTBP2-related condition. Last evaluated: 2019-09-05. Review status: no assertion criteria provided. Collection method: clinical testing. Allele origin: germline. Not counted in ClinVar's aggregate classification.
Comment: This variant is classified as likely benign based on ACMG/AMP sequence variant interpretation guidelines (Richards et al. 2015 PMID: 25741868, with internal and published modifications).

NM_000428.3(LTBP2):c.660G>A (p.Glu220=)

Gene: LTBP2 (latent transforming growth factor beta binding protein 2; minus strand). Cytogenetic location: 14q24.3.
Variant type: single nucleotide variant.
Coding change: c.660G>A on transcript NM_000428.3 (MANE Select); coding-DNA position 660, G replaced by A.
Protein change: p.Glu220=; no amino-acid change (glutamic acid 220 retained).
Molecular consequence: synonymous variant.
Genome position (GRCh38, 1-based): chr14:74,586,024, C>T on the plus strand (G>A on the coding strand, the complement: LTBP2 is on the minus strand). VCF-style: chr14-74586024-C-T. GRCh37 (hg19) VCF-style: chr14-75052727-C-T.
Other names: c.660G>A (NM_000428.2).
Identifiers: ClinVar variation 1555401 (VCV001555401.10), dbSNP rs764354987, ClinGen allele CA7270120.
Genomic context (GRCh38, chr14:74,586,024, plus strand): 5'-GGCCCAGCGTCGAGGTGCCAGCCTGGAGTTCTGGGGGTCAAATTCCTCATCGGGAATGAC[C>T]TCCTCGCAGCGGGCTCCACGGAAACCAGAGCGGCAGACACAGAGCTGCGGGCGGCTGCAG-3'
Protein context (NP_000419.1, residues 210-230): RSGFRGARCE[Glu220=]VIPDEEFDPQ